The following is an entry in ClinVar:

NM_001371986.1(UNC80):c.1996C>G (p.His666Asp)

Gene: UNC80 (unc-80 subunit of NALCN channel complex; plus strand). Cytogenetic location: 2q34.
Variant type: single nucleotide variant.
Coding change: c.1996C>G on transcript NM_001371986.1 (MANE Select); coding-DNA position 1996, C replaced by G.
Protein change: p.His666Asp; replaces histidine 666 with aspartic acid.
Molecular consequence: missense variant.
Genome position (GRCh38, 1-based): chr2:209,820,344, C>G. VCF-style: chr2-209820344-C-G. GRCh37 (hg19) VCF-style: chr2-210685068-C-G.
Other names: c.1996C>G, p.His666Asp (NM_032504.2, NM_182587.4); short protein forms H666D.
Identifiers: ClinVar variation 1391528 (VCV001391528.5), dbSNP rs1371402948, ClinGen allele CA350136232.

ClinVar aggregate classification (germline): Uncertain significance (1 of 4 stars; one submission).

gnomAD v4.1: 2 of 1,549,502 alleles (0.00013%); highest among the groups gnomAD compares: Admixed American, 0.004%; no homozygotes.

Submission:

Labcorp Genetics (formerly Invitae), Labcorp
Classification: Uncertain significance. Last evaluated: 2025-08-21. Review status: criteria provided, single submitter. Criteria: Invitae Variant Classification Sherloc (09022015). Collection method: clinical testing. Allele origin: germline.
Comment: This sequence change replaces histidine, which is basic and polar, with aspartic acid, which is acidic and polar, at codon 666 of the UNC80 protein (p.His666Asp). This variant is present in population databases (no rsID available, gnomAD 0.004%). This variant has not been reported in the literature in individuals affected with UNC80-related conditions. ClinVar contains an entry for this variant (Variation ID: 1391528). An algorithm developed to predict the effect of missense changes on protein structure and function (PolyPhen-2) suggests that this variant is likely to be disruptive. In summary, the available evidence is currently insufficient to determine the role of this variant in disease. Therefore, it has been classified as a Variant of Uncertain Significance.